The following is an entry in ClinVar:

NM_032221.5(CHD6):c.554+5G>A

Gene: CHD6 (chromodomain helicase DNA binding protein 6; minus strand). Cytogenetic location: 20q12.
Variant type: single nucleotide variant.
Coding change: c.554+5G>A on transcript NM_032221.5 (MANE Select); 5 bases into the intron after coding-DNA position 554, G replaced by A.
Molecular consequence: intron variant.
Genome position (GRCh38, 1-based): chr20:41,533,045, C>T on the plus strand (G>A on the coding strand, the complement: CHD6 is on the minus strand). VCF-style: chr20-41533045-C-T. GRCh37 (hg19) VCF-style: chr20-40161684-C-T.
Other names: NC_000020.10:g.40161684C>T.
Identifiers: ClinVar variation 775649 (VCV000775649.7), dbSNP rs140510605, ClinGen allele CA9863398.

ClinVar aggregate classification (germline): Benign/Likely benign. Review status: criteria provided, multiple submitters, no conflicts (2 of 4 stars). 4 submissions from 4 submitters: Benign (3); Likely benign (1). Last evaluated 2026-07-01.

Allele frequency attached by ClinVar (database versions not stated): gnomAD exomes 0.00431; ExAC 0.00467; gnomAD 0.00538 and 0.00562; TOPMed 0.00607; ESP Exome Variant Server 0.00646; 1000 Genomes Project 0.00779; 1000 Genomes Project 30x 0.00828.
gnomAD v4.1: 4,431 of 1,576,388 alleles (0.28%); highest among the groups gnomAD compares: Middle Eastern, 1.7%; 50 homozygotes.

Submissions (7):

CeGaT Center for Human Genetics Tuebingen
Classification: Benign. Last evaluated: 2026-07-01. Review status: criteria provided, single submitter. Criteria: CeGaT Center For Human Genetics Tuebingen Variant Classification Criteria Version 2. Collection method: clinical testing. Allele origin: germline. Affected: yes. Observed: 1 variant allele.
Comment: CHD6: BP4, BS1, BS2

Genomic Medicine Center of Excellence, King Faisal Specialist Hospital and Research Centre
Classification: Likely benign. Last evaluated: 2025-08-18. Review status: criteria provided, single submitter. Criteria: ACMG Guidelines, 2015. Collection method: clinical testing. Allele origin: germline.

Labcorp Genetics (formerly Invitae), Labcorp
Classification: Benign. Last evaluated: 2018-08-06. Review status: criteria provided, single submitter. Criteria: Invitae Variant Classification Sherloc (09022015). Collection method: clinical testing. Allele origin: germline.

Breakthrough Genomics
Classification: Benign. Review status: criteria provided, single submitter. Criteria: ACMG Guidelines, 2015. Collection method: not provided. Allele origin: germline. Inheritance: Unknown mechanism. Affected: yes.

Dr. Peter K. Rogan Lab, Western University
No classification provided (evidence only). Condition: Familial cancer of breast. Review status: no classification provided. Collection method: in vitro. Allele origin: not applicable. Functional consequence: retained intron. Not counted in ClinVar's aggregate classification.

Dr. Peter K. Rogan Lab, Western University
No classification provided (evidence only). Condition: Cervical cancer. Review status: no classification provided. Collection method: in vitro. Allele origin: not applicable. Functional consequence: retained intron. Not counted in ClinVar's aggregate classification.

Dr. Peter K. Rogan Lab, Western University
No classification provided (evidence only). Condition: Malignant tumor of esophagus. Review status: no classification provided. Collection method: in vitro. Allele origin: not applicable. Functional consequence: retained intron. Not counted in ClinVar's aggregate classification.